The following is an entry in ClinVar:

ClinVar aggregate classification (germline): Likely benign (1 of 4 stars; one submission).

Submission:

GeneDx
Classification: Likely benign. Last evaluated: 2018-06-14. Review status: criteria provided, single submitter. Criteria: GeneDx Variant Classification (06012015). Collection method: clinical testing. Allele origin: germline. Affected: yes.
Comment: This variant is considered likely benign or benign based on one or more of the following criteria: it is a conservative change, it occurs at a poorly conserved position in the protein, it is predicted to be benign by multiple in silico algorithms, and/or has population frequency not consistent with disease.

NM_000059.4(BRCA2):c.1203A>C (p.Ser401=)

Gene: BRCA2 (BRCA2 DNA repair associated; plus strand). Cytogenetic location: 13q13.1.
Variant type: single nucleotide variant.
Coding change: c.1203A>C on transcript NM_000059.4 (MANE Select); coding-DNA position 1203, A replaced by C.
Protein change: p.Ser401=; no amino-acid change (serine 401 retained).
Molecular consequence: synonymous variant.
Genome position (GRCh38, 1-based): chr13:32,332,681, A>C. VCF-style: chr13-32332681-A-C. GRCh37 (hg19) VCF-style: chr13-32906818-A-C.
Identifiers: ClinVar variation 672306 (VCV000672306.1), dbSNP rs1312373608, ClinGen allele CA483436420.